The following is an entry in ClinVar:

NM_004035.7(ACOX1):c.1479-7T>C

Gene: ACOX1 (acyl-CoA oxidase 1; minus strand). Cytogenetic location: 17q25.1.
Variant type: single nucleotide variant.
Coding change: c.1479-7T>C on transcript NM_004035.7 (MANE Select); 7 bases into the intron before coding-DNA position 1479, T replaced by C.
Molecular consequence: intron variant.
Genome position (GRCh38, 1-based): chr17:75,949,607, A>G on the plus strand (T>C on the coding strand, the complement: ACOX1 is on the minus strand). VCF-style: chr17-75949607-A-G. GRCh37 (hg19) VCF-style: chr17-73945688-A-G.
Other names: c.1479-7T>C (NM_007292.6, NM_004035.6); c.1365-7T>C (NM_001185039.2).
Identifiers: ClinVar variation 1577460 (VCV001577460.10), dbSNP rs372131625, ClinGen allele CA8776749.

ClinVar aggregate classification (germline): Likely benign. Review status: criteria provided, single submitter (1 of 4 stars). 2 submissions from 2 submitters: Likely benign (1). 1 of the submissions does not count toward it. Last evaluated 2023-07-28.

Conditions:
ACOX1-related disorder. Also called: ACOX1-related disorders; ACOX1-related condition.
Acyl-CoA oxidase deficiency. Also called: STRAIGHT-CHAIN ACYL-CoA OXIDASE DEFICIENCY; Pseudoneonatal adrenoleukodystrophy; Peroxisomal acyl-CoA oxidase deficiency. Identifiers: Orphanet 2971, MedGen C1849678, MONDO:0009919, OMIM 264470. Disease mechanism: loss of function.

Allele frequency attached by ClinVar (database versions not stated): gnomAD exomes below 0.00001 and 0.00001; gnomAD 0.00001; ExAC 0.00002; TOPMed 0.00002; ESP Exome Variant Server 0.00015.
gnomAD v4.1: 3 of 1,613,784 alleles (0.00019%); highest among the groups gnomAD compares: African/African-American, 0.0027%; no homozygotes.

Submissions (2):

Labcorp Genetics (formerly Invitae), Labcorp
Classification: Likely benign for Acyl-CoA oxidase deficiency. Last evaluated: 2023-07-28. Review status: criteria provided, single submitter. Criteria: Invitae Variant Classification Sherloc (09022015). Collection method: clinical testing. Allele origin: germline.

PreventionGenetics, part of Exact Sciences
Classification: Likely benign for ACOX1-related condition. Last evaluated: 2020-11-23. Review status: no assertion criteria provided. Collection method: clinical testing. Allele origin: germline. Not counted in ClinVar's aggregate classification.
Comment: This variant is classified as likely benign based on ACMG/AMP sequence variant interpretation guidelines (Richards et al. 2015 PMID: 25741868, with internal and published modifications).